The following is an entry in ClinVar:

ClinVar aggregate classification (germline): Benign/Likely benign. Review status: criteria provided, multiple submitters, no conflicts (2 of 4 stars). 4 submissions from 4 submitters: Benign (1); Likely benign (2). 1 of the submissions does not count toward it. Last evaluated 2026-04-01.

Conditions:
KISS1R-related disorder. Also called: KISS1R-related condition.

Allele frequency attached by ClinVar (database versions not stated): 1000 Genomes Project 30x 0.00016; gnomAD 0.00042 and 0.00043; ExAC 0.00107; TOPMed 0.00128; gnomAD exomes 0.00345.
gnomAD v4.1: 468 of 1,489,728 alleles (0.031%); highest among the groups gnomAD compares: Admixed American, 0.97%; 4 homozygotes.

Submissions (4):

CeGaT Center for Human Genetics Tuebingen
Classification: Likely benign. Last evaluated: 2026-04-01. Review status: criteria provided, single submitter. Criteria: CeGaT Center For Human Genetics Tuebingen Variant Classification Criteria Version 2. Collection method: clinical testing. Allele origin: germline. Affected: yes. Observed: 1 variant allele.
Comment: KISS1R: BP4, BP7

Labcorp Genetics (formerly Invitae), Labcorp
Classification: Benign. Last evaluated: 2026-01-12. Review status: criteria provided, single submitter. Criteria: Invitae Variant Classification Sherloc (09022015). Collection method: clinical testing. Allele origin: germline.

Blueprint Genetics
Classification: Likely benign. Last evaluated: 2024-10-29. Review status: criteria provided, single submitter. Criteria: ACMG Guidelines, 2015. Collection method: clinical testing. Allele origin: germline.

PreventionGenetics, part of Exact Sciences
Classification: Benign for KISS1R-related condition. Last evaluated: 2019-05-07. Review status: no assertion criteria provided. Collection method: clinical testing. Allele origin: germline. Not counted in ClinVar's aggregate classification.
Comment: This variant is classified as benign based on ACMG/AMP sequence variant interpretation guidelines (Richards et al. 2015 PMID: 25741868, with internal and published modifications).

NM_032551.5(KISS1R):c.9C>T (p.Thr3=)

Gene: KISS1R (KISS1 receptor; plus strand). Cytogenetic location: 19p13.3.
Variant type: single nucleotide variant.
Coding change: c.9C>T on transcript NM_032551.5 (MANE Select); coding-DNA position 9, C replaced by T.
Protein change: p.Thr3=; no amino-acid change (threonine 3 retained).
Molecular consequence: synonymous variant.
Genome position (GRCh38, 1-based): chr19:917,511, C>T. VCF-style: chr19-917511-C-T. GRCh37 (hg19) VCF-style: chr19-917511-C-T.
Identifiers: ClinVar variation 769943 (VCV000769943.15), dbSNP rs767447321, ClinGen allele CA9028687.